The following is an entry in ClinVar:

NM_017988.6(SCYL2):c.1273-104G>A

Gene: SCYL2 (SCY1 like pseudokinase 2; plus strand). Cytogenetic location: 12q23.1.
Variant type: single nucleotide variant.
Coding change: c.1273-104G>A on transcript NM_017988.6 (MANE Select); 104 bases into the intron before coding-DNA position 1273, G replaced by A.
Molecular consequence: intron variant.
Genome position (GRCh38, 1-based): chr12:100,317,699, G>A. VCF-style: chr12-100317699-G-A. GRCh37 (hg19) VCF-style: chr12-100711477-G-A.
Other names: c.1284+7G>A (NM_001330253.2, NM_001330254.2); c.765+7G>A (NM_001330256.2); c.1273-104G>A (NM_001317784.2).
Identifiers: ClinVar variation 3030556 (VCV003030556.2), dbSNP rs563968407, ClinGen allele CA242327874.

ClinVar aggregate classification (germline): Likely benign (0 of 4 stars; one submission).

Conditions:
SCYL2-related disorder. Also called: SCYL2-related condition.

Allele frequency attached by ClinVar (database versions not stated): gnomAD 0.00001; gnomAD exomes 0.00001; 1000 Genomes Project 30x 0.00016; 1000 Genomes Project 0.00020.
gnomAD v4.1: 13 of 1,432,484 alleles (0.00091%); highest among the groups gnomAD compares: South Asian, 0.018%; no homozygotes.

Submission:

PreventionGenetics, part of Exact Sciences
Classification: Likely benign for SCYL2-related condition. Last evaluated: 2023-09-13. Review status: no assertion criteria provided. Collection method: clinical testing. Allele origin: germline.
Comment: This variant is classified as likely benign based on ACMG/AMP sequence variant interpretation guidelines (Richards et al. 2015 PMID: 25741868, with internal and published modifications).